The following is an entry in ClinVar:

ClinVar aggregate classification (germline): Pathogenic/Likely pathogenic. Review status: criteria provided, multiple submitters, no conflicts (2 of 4 stars). 2 submissions from 2 submitters: Pathogenic (1); Likely pathogenic (1). Last evaluated 2024-04-08.

Conditions:
Neurodevelopmental disorder. Identifiers: MedGen C1535926, MeSH D065886, MONDO:0700092.

Allele frequency attached by ClinVar (database versions not stated): gnomAD exomes below 0.00001.
gnomAD v4.1: 1 of 1,210,422 alleles (0.000083%); highest among the groups gnomAD compares: Non-Finnish European, 0.00011%; no homozygotes.

Submissions (2):

GeneDx
Classification: Pathogenic. Last evaluated: 2024-04-08. Review status: criteria provided, single submitter. Criteria: GeneDx Variant Classification Process June 2021. Collection method: clinical testing. Allele origin: germline. Affected: yes.
Comment: Has not been previously published as pathogenic or benign to our knowledge; Not observed at significant frequency in large population cohorts (gnomAD); Nonsense variant predicted to result in protein truncation or nonsense mediated decay in a gene for which loss of function is a known mechanism of disease

Laboratory of Molecular Genetics (Pr. Bezieau's lab), CHU de Nantes
Classification: Likely pathogenic for Neurodevelopmental disorder. Last evaluated: 2022-12-19. Review status: criteria provided, single submitter. Criteria: ACMG Guidelines, 2015. Collection method: clinical testing. Allele origin: germline. Affected: yes.

NM_153252.5(BRWD3):c.3413G>A (p.Trp1138Ter)

Gene: BRWD3 (bromodomain and WD repeat domain containing 3; minus strand). Cytogenetic location: Xq21.1.
Variant type: single nucleotide variant.
Coding change: c.3413G>A on transcript NM_153252.5 (MANE Select); coding-DNA position 3413, G replaced by A.
Protein change: p.Trp1138Ter; replaces tryptophan 1138 with a stop codon.
Molecular consequence: nonsense.
Genome position (GRCh38, 1-based): chrX:80,691,891, C>T on the plus strand (G>A on the coding strand, the complement: BRWD3 is on the minus strand). VCF-style: chrX-80691891-C-T. GRCh37 (hg19) VCF-style: chrX-79947390-C-T.
Other names: c.3413G>A (NM_153252.4); short protein forms W1138*.
Identifiers: ClinVar variation 2627842 (VCV002627842.2), dbSNP rs2147693460, ClinGen allele CA413617785.